The following is an entry in ClinVar:

ClinVar aggregate classification (germline): Conflicting classifications of pathogenicity. Review status: criteria provided, conflicting classifications (1 of 4 stars). 2 submissions from 2 submitters: Uncertain significance (1); Likely benign (1). Last evaluated 2024-02-23.

Conditions:
Hereditary cancer-predisposing syndrome. Also called: Neoplastic Syndromes, Hereditary; Hereditary Cancer Syndrome; Hereditary neoplastic syndrome; Tumor predisposition. Identifiers: Orphanet 140162, MedGen C0027672, MeSH D009386, MONDO:0015356.
Fanconi anemia complementation group O. Also called: RAD51C-Related Fanconi Anemia. Identifiers: Orphanet 84, MedGen C3150653, MONDO:0013248, OMIM 613390.

Allele frequency attached by ClinVar (database versions not stated): gnomAD exomes below 0.00001.
gnomAD v4.1: 1 of 1,613,056 alleles (0.000062%); highest among the groups gnomAD compares: Non-Finnish European, 0.000085%; no homozygotes.

Submissions (2):

Ambry Genetics
Classification: Likely benign for Hereditary cancer-predisposing syndrome. Last evaluated: 2024-02-23. Review status: criteria provided, single submitter. Criteria: Ambry Variant Classification Scheme 2023. Collection method: clinical testing. Allele origin: germline.

Labcorp Genetics (formerly Invitae), Labcorp
Classification: Uncertain significance for Fanconi anemia complementation group O. Last evaluated: 2022-10-23. Review status: criteria provided, single submitter. Criteria: Invitae Variant Classification Sherloc (09022015). Collection method: clinical testing. Allele origin: germline.
Comment: In summary, the available evidence is currently insufficient to determine the role of this variant in disease. Therefore, it has been classified as a Variant of Uncertain Significance. Advanced modeling of protein sequence and biophysical properties (such as structural, functional, and spatial information, amino acid conservation, physicochemical variation, residue mobility, and thermodynamic stability) performed at Invitae indicates that this missense variant is not expected to disrupt RAD51C protein function. ClinVar contains an entry for this variant (Variation ID: 827516). This variant has not been reported in the literature in individuals affected with RAD51C-related conditions. This variant is not present in population databases (gnomAD no frequency). This sequence change replaces asparagine, which is neutral and polar, with serine, which is neutral and polar, at codon 274 of the RAD51C protein (p.Asn274Ser).

NM_058216.3(RAD51C):c.821A>G (p.Asn274Ser)

Gene: RAD51C (RAD51 paralog C; plus strand). Cytogenetic location: 17q22.
Variant type: single nucleotide variant.
Coding change: c.821A>G on transcript NM_058216.3 (MANE Select); coding-DNA position 821, A replaced by G.
Protein change: p.Asn274Ser; replaces asparagine 274 with serine.
Molecular consequence: missense variant. On other transcripts: non-coding transcript variant (1).
Genome position (GRCh38, 1-based): chr17:58,709,974, A>G. VCF-style: chr17-58709974-A-G. GRCh37 (hg19) VCF-style: chr17-56787335-A-G.
Other names: short protein forms N274S.
Identifiers: ClinVar variation 827516 (VCV000827516.9), dbSNP rs1598484851, ClinGen allele CA400354354.
Genomic context (GRCh38, chr17:58,709,974, plus strand): 5'-ACCTGTCTCTTCGTACTCGGTTATTAAATGGCCTAGCCCAGCAAATGATCAGCCTTGCAA[A>G]TAATCACAGATTAGCTGTAAGTATTAACTAGTGAAGAGAGTTTTATAACAAAGTCAAGAC-3'
Protein context (NP_478123.1, residues 264-284): GLAQQMISLA[Asn274Ser]NHRLAVILTN